The following is an entry in ClinVar:

ClinVar aggregate classification (germline): Uncertain significance (1 of 4 stars; one submission).

Conditions:
Long QT syndrome 1 (LQT1). Identifiers: Orphanet 101016, Orphanet 768, MedGen C4551647, MONDO:0100316, OMIM 192500, MONDO:0008646.

Allele frequency attached by ClinVar (database versions not stated): ExAC 0.00001; gnomAD 0.00001.
gnomAD v4.1: 1 of 1,613,114 alleles (0.000062%); highest among the groups gnomAD compares: African/African-American, 0.0013%; no homozygotes.

Submission:

Labcorp Genetics (formerly Invitae), Labcorp
Classification: Uncertain significance for Long QT syndrome 1. Last evaluated: 2019-10-21. Review status: criteria provided, single submitter. Criteria: Invitae Variant Classification Sherloc (09022015). Collection method: clinical testing. Allele origin: germline.
Comment: In summary, the available evidence is currently insufficient to determine the role of this variant in disease. Therefore, it has been classified as a Variant of Uncertain Significance. Algorithms developed to predict the effect of missense changes on protein structure and function are either unavailable or do not agree on the potential impact of this missense change (SIFT: "Deleterious"; PolyPhen-2: "Benign"; Align-GVGD: "Class C65"). This variant has not been reported in the literature in individuals with CALM2-related disease. This variant is present in population databases (rs775065505, ExAC 0.01%). This sequence change replaces arginine with glycine at codon 127 of the CALM2 protein (p.Arg127Gly). The arginine residue is highly conserved and there is a moderate physicochemical difference between arginine and glycine.

NM_001743.6(CALM2):c.379A>G (p.Arg127Gly)

Gene: CALM2 (calmodulin 2; minus strand). Cytogenetic location: 2p21.
Variant type: single nucleotide variant.
Coding change: c.379A>G on transcript NM_001743.6 (MANE Select); coding-DNA position 379, A replaced by G.
Protein change: p.Arg127Gly; replaces arginine 127 with glycine.
Molecular consequence: missense variant.
Genome position (GRCh38, 1-based): chr2:47,161,765, T>C on the plus strand (A>G on the coding strand, the complement: CALM2 is on the minus strand). VCF-style: chr2-47161765-T-C. GRCh37 (hg19) VCF-style: chr2-47388904-T-C.
Other names: c.523A>G, p.Arg175Gly (NM_001305624.1); c.271A>G, p.Arg91Gly (NM_001305625.2, NM_001305626.1); short protein forms R91G, R127G, R175G.
Identifiers: ClinVar variation 650556 (VCV000650556.12), dbSNP rs775065505, ClinGen allele CA1648541.